The following is an entry in ClinVar:

NM_007078.3(LDB3):c.338C>A (p.Thr113Lys)

Gene: LDB3 (LIM domain binding 3; plus strand). Cytogenetic location: 10q23.2.
Variant type: single nucleotide variant.
Coding change: c.338C>A on transcript NM_007078.3 (MANE Select); coding-DNA position 338, C replaced by A.
Protein change: p.Thr113Lys; replaces threonine 113 with lysine.
Molecular consequence: missense variant. On other transcripts: intron variant (5).
Genome position (GRCh38, 1-based): chr10:86,681,452, C>A. VCF-style: chr10-86681452-C-A. GRCh37 (hg19) VCF-style: chr10-88441209-C-A.
Other names: c.338C>A, p.Thr113Lys (NM_001080115.2, NM_001171610.2, NM_001171611.2 and 3 more transcripts); c.321+1295C>A (NM_001368068.1, NM_001368066.1, NM_001080114.2 and 2 more transcripts); short protein forms T113K.
Identifiers: ClinVar variation 4731270 (VCV004731270.1).

ClinVar aggregate classification (germline): Uncertain significance (1 of 4 stars; one submission).

Conditions:
Myofibrillar myopathy 4. Also called: Zaspopathy (type). Identifiers: Orphanet 98912, MedGen C4721886, MONDO:0012277, OMIM 609452.

Submission:

Labcorp Genetics (formerly Invitae), Labcorp
Classification: Uncertain significance for Myofibrillar myopathy 4. Last evaluated: 2025-11-19. Review status: criteria provided, single submitter. Criteria: Invitae Variant Classification Sherloc (09022015). Collection method: clinical testing. Allele origin: germline.
Comment: The LDB3 gene has multiple clinically relevant transcripts. This variant occurs in alternate transcript NM_007078.2, and corresponds to NM_001080116.1:c.321+1295C>A in the primary transcript. This sequence change replaces threonine, which is neutral and polar, with lysine, which is basic and polar, at codon 113 of the LDB3 protein (p.Thr113Lys). This variant is not present in population databases (gnomAD no frequency). This variant has not been reported in the literature in individuals affected with LDB3-related conditions. Experimental studies and prediction algorithms are not available or were not evaluated, and the functional significance of this variant is currently unknown. Algorithms developed to predict the effect of sequence changes on RNA splicing suggest that this variant is not likely to affect RNA splicing. In summary, the available evidence is currently insufficient to determine the role of this variant in disease. Therefore, it has been classified as a Variant of Uncertain Significance.